The following is an entry in ClinVar:

ClinVar aggregate classification (germline): Benign (1 of 4 stars; one submission).

Allele frequency attached by ClinVar (database versions not stated): gnomAD 0.08240 and 0.08469; 1000 Genomes Project 0.08626; TOPMed 0.08797; 1000 Genomes Project 30x 0.09104.
gnomAD v4.1: 12,486 of 152,248 alleles (8.2%); highest among the groups gnomAD compares: African/African-American, 17%; 819 homozygotes.

Submission:

GeneDx
Classification: Benign. Last evaluated: 2018-06-14. Review status: criteria provided, single submitter. Criteria: GeneDx Variant Classification (06012015). Collection method: clinical testing. Allele origin: germline. Affected: yes.
Comment: This variant is considered likely benign or benign based on one or more of the following criteria: it is a conservative change, it occurs at a poorly conserved position in the protein, it is predicted to be benign by multiple in silico algorithms, and/or has population frequency not consistent with disease.

NM_170707.4(LMNA):c.357-3489G>A

Gene: LMNA (lamin A/C; plus strand). Cytogenetic location: 1q22.
Variant type: single nucleotide variant.
Coding change: c.357-3489G>A on transcript NM_170707.4 (MANE Select); 3489 bases into the intron before coding-DNA position 357, G replaced by A.
Molecular consequence: intron variant.
Genome position (GRCh38, 1-based): chr1:156,127,128, G>A. VCF-style: chr1-156127128-G-A. GRCh37 (hg19) VCF-style: chr1-156096919-G-A.
Other names: c.357-3489G>A (NM_001282625.2, NM_001282626.2, NM_170708.4 and 1 more transcripts); c.20+905G>A (NM_001257374.3); c.113+213G>A (NM_001282624.2).
Identifiers: ClinVar variation 672781 (VCV000672781.1), dbSNP rs623189, ClinGen allele CA10816029.